The following is an entry in ClinVar:

NM_001354604.2(MITF):c.759_760del (p.Thr254fs)

Gene: MITF (melanocyte inducing transcription factor; plus strand). Cytogenetic location: 3p13.
Variant type: Deletion.
Coding change: c.759_760del on transcript NM_001354604.2 (MANE Select); coding-DNA positions 759 to 760, 2 bases deleted (TA; older notation c.759_760delTA).
Protein change: p.Thr254fs; shifts the reading frame from threonine 254.
Molecular consequence: frameshift variant.
Genome position (GRCh38, 1-based): chr3:69,941,328-69,941,329, TA deleted; deleting any 2 consecutive bases within chr3:69,941,327-69,941,329 gives the same sequence; the c. name uses the placement nearest the transcript's 3' end. VCF-style (leftmost placement, unchanged base first): chr3-69941326-AAT-A. GRCh37 (hg19) VCF-style: chr3-69990477-AAT-A.
Other names: c.438_439del, p.Thr147fs (NM_000248.4, NM_198158.3); c.603_604del, p.Thr202fs (NM_001184967.2, NM_001354608.2); c.756_757del, p.Thr253fs (NM_001354605.2, NM_001354606.2, NM_006722.3); c.708_709del, p.Thr237fs (NM_001354607.2); c.759_760del, p.Thr254fs (NM_198159.3); c.711_712del, p.Thr238fs (NM_198177.3); c.270_271del, p.Thr91fs (NM_198178.3); short protein forms T147fs, T202fs, T237fs, T238fs, T253fs, T254fs, T91fs.
Identifiers: ClinVar variation 3601246 (VCV003601246.1).

ClinVar aggregate classification (germline): Pathogenic (1 of 4 stars; one submission).

Conditions:
Waardenburg syndrome type 2A (WS2A). Also called: WAARDENBURG SYNDROME WITHOUT DYSTOPIA CANTHORUM. Identifiers: Orphanet 3440, MedGen C1860339, MONDO:0008671, OMIM 193510.

Submission:

Institute of Rare Diseases, West China Hospital, Sichuan University
Classification: Pathogenic for Waardenburg syndrome type 2A. Last evaluated: 2025-01-09. Review status: criteria provided, single submitter. Criteria: ClinGen HL ACMG Specifications v1. Collection method: research. Allele origin: germline. Affected: yes.
Comment: PM1;PVS1;PM2_Supporting